The following is an entry in ClinVar:

ClinVar aggregate classification (germline): Benign/Likely benign. Review status: criteria provided, multiple submitters, no conflicts (2 of 4 stars). 11 submissions from 11 submitters: Benign (5); Likely benign (4). 2 of the submissions do not count toward it. Last evaluated 2026-06-26.

Conditions:
PALLD-related disorder. Also called: PALLD-related condition.
Pancreatic adenocarcinoma. Identifiers: MedGen C0281361, MONDO:0006047, HP:0006725.
Pancreatic cancer, susceptibility to, 1. Identifiers: Orphanet 1333, MedGen C1847351, MONDO:0011739, OMIM 606856.

Allele frequency attached by ClinVar (database versions not stated): 1000 Genomes Project 30x 0.00109; 1000 Genomes Project 0.00140; ExAC 0.00217; gnomAD exomes 0.00218 and 0.00447; ESP Exome Variant Server 0.00392; TOPMed 0.00471.
gnomAD v4.1: 7,011 of 1,613,850 alleles (0.43%); highest among the groups gnomAD compares: Non-Finnish European, 0.55%; 29 homozygotes.

Submissions (11):

PreventionGenetics, part of Exact Sciences
Classification: Benign for PALLD-related condition. Last evaluated: 2026-06-26. Review status: criteria provided, single submitter. Criteria: ACMG Guidelines, 2015. Collection method: clinical testing. Allele origin: germline.
Comment: This variant is classified as benign based on ACMG/AMP sequence variant interpretation guidelines (Richards et al. 2015 PMID: 25741868, with internal and published modifications).

Labcorp Genetics (formerly Invitae), Labcorp
Classification: Benign for Pancreatic adenocarcinoma. Last evaluated: 2026-01-28. Review status: criteria provided, single submitter. Criteria: Invitae Variant Classification Sherloc (09022015). Collection method: clinical testing. Allele origin: germline.

Blueprint Genetics
Classification: Likely benign. Last evaluated: 2024-11-25. Review status: criteria provided, single submitter. Criteria: ACMG Guidelines, 2015. Collection method: clinical testing. Allele origin: germline.

CeGaT Center for Human Genetics Tuebingen
Classification: Likely benign. Last evaluated: 2024-04-01. Review status: criteria provided, single submitter. Criteria: CeGaT Center For Human Genetics Tuebingen Variant Classification Criteria Version 2. Collection method: clinical testing. Allele origin: germline. Affected: yes. Observed: 6 variant alleles.
Comment: PALLD: BP4, BP7, BS2

KCCC/NGS Laboratory, Kuwait Cancer Control Center
Classification: Benign for Pancreatic cancer, susceptibility to, 1. Last evaluated: 2023-07-07. Review status: criteria provided, single submitter. Criteria: ACMG Guidelines, 2015. Collection method: clinical testing. Allele origin: germline. Affected: yes.

Ambry Genetics
Classification: Likely benign. Last evaluated: 2022-02-12. Review status: criteria provided, single submitter. Criteria: Ambry Variant Classification Scheme 2023. Collection method: clinical testing. Allele origin: germline.

Illumina Laboratory Services, Illumina
Classification: Benign for Pancreatic cancer, susceptibility to, 1. Last evaluated: 2018-01-13. Review status: criteria provided, single submitter. Criteria: ICSL Variant Classification Criteria 13 December 2019. Collection method: clinical testing. Allele origin: germline.
Comment: This variant was observed in the ICSL laboratory as part of a predisposition screen in an ostensibly healthy population. It had not been previously curated by ICSL or reported in the Human Gene Mutation Database (HGMD: prior to June 1st, 2018), and was therefore a candidate for classification through an automated scoring system. Utilizing variant allele frequency, disease prevalence and penetrance estimates, and inheritance mode, an automated score was calculated to assess if this variant is too frequent to cause the disease. Based on the score and internal cut-off values, a variant classified as benign is not then subjected to further curation. The score for this variant resulted in a classification of benign for this disease.

GeneDx
Classification: Benign. Last evaluated: 2014-01-27. Review status: criteria provided, single submitter. Criteria: GeneDx Variant Classification (06012015). Collection method: clinical testing. Allele origin: germline. Affected: yes.
Comment: This variant is considered likely benign or benign based on one or more of the following criteria: it is a conservative change, it occurs at a poorly conserved position in the protein, it is predicted to be benign by multiple in silico algorithms, and/or has population frequency not consistent with disease.

Breakthrough Genomics
Classification: Likely benign. Review status: criteria provided, single submitter. Criteria: ACMG Guidelines, 2015. Collection method: not provided. Allele origin: germline. Inheritance: Autosomal dominant inheritance. Affected: yes.

Clinical Genetics DNA and cytogenetics Diagnostics Lab, Erasmus MC, Erasmus Medical Center
Classification: Likely benign. Review status: no assertion criteria provided. Collection method: clinical testing. Allele origin: germline. Affected: yes. Study: VKGL Data-share Consensus. Not counted in ClinVar's aggregate classification.

Genome Diagnostics Laboratory, University Medical Center Utrecht
Classification: Benign. Review status: no assertion criteria provided. Collection method: clinical testing. Allele origin: germline. Affected: yes. Study: VKGL Data-share Consensus. Not counted in ClinVar's aggregate classification.

NM_001166108.2(PALLD):c.2442A>G (p.Thr814=)

Genes: CBR4 (carbonyl reductase 4; minus strand), PALLD (palladin, cytoskeletal associated protein; plus strand). Cytogenetic location: 4q32.3.
Variant type: single nucleotide variant.
Coding change: c.2442A>G on transcript NM_001166108.2 (MANE Select); coding-DNA position 2442, A replaced by G.
Protein change: p.Thr814=; no amino-acid change (threonine 814 retained).
Molecular consequence: synonymous variant.
Genome position (GRCh38, 1-based): chr4:168,898,684, A>G. VCF-style: chr4-168898684-A-G. GRCh37 (hg19) VCF-style: chr4-169819835-A-G.
Other names: p.T797T:ACA>ACG; c.1245A>G, p.Thr415= (NM_001166109.2); c.930A>G, p.Thr310= (NM_001166110.2); c.270A>G, p.Thr90= (NM_001367567.1, NM_001367569.1); c.321A>G, p.Thr107= (NM_001367568.1, NM_001367570.1); c.2391A>G, p.Thr797= (NM_016081.4).
Identifiers: ClinVar variation 132746 (VCV000132746.63), dbSNP rs113676921, ClinGen allele CA299809.
Genomic context (GRCh38, chr4:168,898,684, plus strand): 5'-ATTCTTTGAGATGAAGCTGAAACATTACAAGATCTTTGAGGGAATGCCAGTAACTTTCAC[A>G]TGTAGAGTGGCTGGAAATCCAAAGCCAAAGGTGAGCTGGGAGATGGAGGCTTTTTAAGAG-3'
Protein context (NP_001159580.1, residues 804-824): KIFEGMPVTF[Thr814=]CRVAGNPKPK